The following is an entry in ClinVar:

ClinVar aggregate classification (germline): Uncertain significance. Review status: criteria provided, multiple submitters, no conflicts (2 of 4 stars). 2 submissions from 2 submitters: Uncertain significance (2). Last evaluated 2026-05-01.

Conditions:
HUWE1-related disorder. Also called: HUWE1-related condition.

Allele frequency attached by ClinVar (database versions not stated): gnomAD exomes 0.00001; ExAC 0.00003.
gnomAD v4.1: 8 of 1,207,993 alleles (0.00066%); highest among the groups gnomAD compares: Non-Finnish European, 0.00078%; no homozygotes.

Submissions (2):

CeGaT Center for Human Genetics Tuebingen
Classification: Uncertain significance. Last evaluated: 2026-05-01. Review status: criteria provided, single submitter. Criteria: CeGaT Center For Human Genetics Tuebingen Variant Classification Criteria Version 2. Collection method: clinical testing. Allele origin: germline. Affected: yes. Observed: 2 variant alleles.
Comment: HUWE1: PM2

PreventionGenetics, part of Exact Sciences
Classification: Uncertain significance for HUWE1-related condition. Last evaluated: 2022-12-08. Review status: criteria provided, single submitter. Criteria: ACMG Guidelines, 2015. Collection method: clinical testing. Allele origin: germline.
Comment: The HUWE1 c.11482G>A variant is predicted to result in the amino acid substitution p.Asp3828Asn. To our knowledge, this variant has not been reported in the literature. This variant is reported in 0.0039% of alleles in individuals of European (Non-Finnish) descent in gnomAD. At this time, the clinical significance of this variant is uncertain due to the absence of conclusive functional and genetic evidence.

NM_031407.7(HUWE1):c.11482G>A (p.Asp3828Asn)

Gene: HUWE1 (HECT, UBA and WWE domain containing E3 ubiquitin protein ligase 1; minus strand). Cytogenetic location: Xp11.22.
Variant type: single nucleotide variant.
Coding change: c.11482G>A on transcript NM_031407.7 (MANE Select); coding-DNA position 11482, G replaced by A.
Protein change: p.Asp3828Asn; replaces aspartic acid 3828 with asparagine.
Molecular consequence: missense variant.
Genome position (GRCh38, 1-based): chrX:53,539,807, C>T on the plus strand (G>A on the coding strand, the complement: HUWE1 is on the minus strand). VCF-style: chrX-53539807-C-T. GRCh37 (hg19) VCF-style: chrX-53566768-C-T.
Other names: short protein forms D3828N.
Identifiers: ClinVar variation 2635854 (VCV002635854.17), dbSNP rs782243459, ClinGen allele CA10421356.
Genomic context (GRCh38, chrX:53,539,807, plus strand): 5'-TGAGCAGGGGTAACTCAGGTGGTCTTTCTTCCTTTTCCTTCTCCCCCTGTGGGGTTCCAT[C>T]GGAGGCTGGAGGGCACACAGAAGAGAGTCAGAAAGTCTTCAAAATTTCCCTTCTGCTTAG-3'
Protein context (NP_113584.3, residues 3818-3838): SAQDTQSIAS[Asp3828Asn]GTPQGEKEKE